The following is an entry in ClinVar:

NM_001305581.2(LRMDA):c.463G>A (p.Glu155Lys)

Gene: LRMDA (leucine rich melanocyte differentiation associated; plus strand). Cytogenetic location: 10q22.3.
Variant type: single nucleotide variant.
Coding change: c.463G>A on transcript NM_001305581.2 (MANE Select); coding-DNA position 463, G replaced by A.
Protein change: p.Glu155Lys; replaces glutamic acid 155 with lysine.
Molecular consequence: missense variant. On other transcripts: non-coding transcript variant (1).
Genome position (GRCh38, 1-based): chr10:76,058,730, G>A. VCF-style: chr10-76058730-G-A. GRCh37 (hg19) VCF-style: chr10-77818488-G-A.
Other names: c.379G>A, p.Glu127Lys (NM_032024.5); short protein forms E127K, E155K.
Identifiers: ClinVar variation 1910640 (VCV001910640.5), dbSNP rs2492060364, ClinGen allele CA377401326.
Genomic context (GRCh38, chr10:76,058,730, plus strand): 5'-TTTGTTCTGTACAAGCTGCCCAACTTGAAATTTCTGGATGCCCAGAAAGTAACCAGACAA[G>A]AACGAGAGGAGGCGTTGGTCAGAGGAGTCTTCATGAAGGTGGTGAAGCCCAAGGTGAGCT-3'
Protein context (NP_001292510.1, residues 145-165): FLDAQKVTRQ[Glu155Lys]REEALVRGVF

ClinVar aggregate classification (germline): Uncertain significance (1 of 4 stars; one submission).

Submission:

Labcorp Genetics (formerly Invitae), Labcorp
Classification: Uncertain significance. Last evaluated: 2025-03-03. Review status: criteria provided, single submitter. Criteria: Invitae Variant Classification Sherloc (09022015). Collection method: clinical testing. Allele origin: germline.
Comment: This sequence change replaces glutamic acid, which is acidic and polar, with lysine, which is basic and polar, at codon 127 of the C10orf11 protein (p.Glu127Lys). This variant is not present in population databases (gnomAD no frequency). This variant has not been reported in the literature in individuals affected with C10orf11-related conditions. ClinVar contains an entry for this variant (Variation ID: 1910640). An algorithm developed to predict the effect of missense changes on protein structure and function (PolyPhen-2) suggests that this variant is likely to be disruptive. In summary, the available evidence is currently insufficient to determine the role of this variant in disease. Therefore, it has been classified as a Variant of Uncertain Significance.